The following is an entry in ClinVar:

NM_022455.5(NSD1):c.2963C>T (p.Ser988Phe)

Gene: NSD1 (nuclear receptor binding SET domain protein 1; plus strand). Cytogenetic location: 5q35.3.
Variant type: single nucleotide variant.
Coding change: c.2963C>T on transcript NM_022455.5 (MANE Select); coding-DNA position 2963, C replaced by T.
Protein change: p.Ser988Phe; replaces serine 988 with phenylalanine.
Molecular consequence: missense variant.
Genome position (GRCh38, 1-based): chr5:177,211,362, C>T. VCF-style: chr5-177211362-C-T. GRCh37 (hg19) VCF-style: chr5-176638363-C-T.
Other names: c.2090C>T, p.Ser697Phe (NM_001365684.2, NM_001409306.1, NM_001409307.1 and 3 more transcripts); c.2963C>T, p.Ser988Phe (NM_001409301.1, NM_001409302.1, NM_001409303.1); c.2543C>T, p.Ser848Phe (NM_001409304.1); c.2210C>T, p.Ser737Phe (NM_001409305.1); short protein forms S719F, S988F, S697F, S737F, S848F.
Identifiers: ClinVar variation 1184338 (VCV001184338.3), dbSNP rs1465577289, ClinGen allele CA362321315.

ClinVar aggregate classification (germline): Uncertain significance. Review status: criteria provided, multiple submitters, no conflicts (2 of 4 stars). 2 submissions from 2 submitters: Uncertain significance (2). Last evaluated 2024-06-14.

Conditions:
Sotos syndrome (SOTOS). Also called: Distinctive facial appearance, overgrowth in childhood, and learning disabilities or delayed development; CHROMOSOME 5q35 DELETION SYNDROME; Sotos' syndrome; SOTOS SYNDROME 1; CEREBRAL GIGANTISM. Identifiers: Orphanet 821, MedGen C0175695, MONDO:0019349, OMIM 117550.

Allele frequency attached by ClinVar (database versions not stated): TOPMed below 0.00001.

Submissions (2):

Fulgent Genetics
Classification: Uncertain significance for Sotos syndrome. Last evaluated: 2024-06-14. Review status: criteria provided, single submitter. Criteria: ACMG Guidelines, 2015. Collection method: clinical testing. Allele origin: germline.

New York Genome Center
Classification: Uncertain significance for Sotos syndrome. Last evaluated: 2020-05-21. Review status: criteria provided, single submitter. Criteria: NYGC Assertion Criteria 2020. Collection method: clinical testing. Allele origin: inherited. Observed: 1 variant allele, 1 heterozygote. Study: CSER-NYCKidSeq.
Comment: The inherited c.2963C>T (p.Ser988Phe) variant identified in the NSD1 gene substitutes a moderately conserved Serine for Phenylalanine at amino acid 998/2697 (coding exon 5/23). This variant is absent from gnomAD(v3.0) suggesting it is not a common benign variant in the populations represented in that database. In silico algorithms predict this variant to be Neutral (Provean; score:-1.19) and Damaging (SIFT; score:0.001) to the function of the canonical transcript. This variant is absent from ClinVar and to our current knowledge has not been reported in affected individuals in the literature. The p.Ser988 residue is not within a mapped domain of NSD1 (UniProtKB:Q96L73). Most pathogenic variants identified in affected individuals are nonsense, frameshift, or missense variants located within functional domains (PHD, PWWP, SAC, and SET domains) of the protein [PMID:12464997]. A few missense variants have been reported in patients with suspected Sotos syndrome outside of these functional domains [PMID:23190751], although their clinical significance is uncertain. Given this, the inherited c.2963C>T (p.Ser988Phe) variant identified in the NSD1 gene is reported here as a Variant of Uncertain Significance.